The following is an entry in ClinVar:

ClinVar aggregate classification (germline): Uncertain significance. Review status: criteria provided, multiple submitters, no conflicts (2 of 4 stars). 2 submissions from 2 submitters: Uncertain significance (2). Last evaluated 2026-02-11.

gnomAD v4.1: 7 of 1,530,032 alleles (0.00046%); highest among the groups gnomAD compares: Admixed American, 0.01%; no homozygotes.

Submissions (2):

Women's Health and Genetics/Laboratory Corporation of America, LabCorp
Classification: Uncertain significance. Last evaluated: 2026-02-11. Review status: criteria provided, single submitter. Criteria: LabCorp Variant Classification Summary - May 2015. Collection method: clinical testing. Allele origin: germline.
Comment: Variant summary: NEFH c.438C>G (p.Tyr146X) results in a premature termination codon, predicted to cause a truncation of the encoded protein or absence of the protein due to nonsense mediated decay, however current evidence is not sufficient to establish loss of function as a mechanism for disease. The variant allele was found at a frequency of 7.8e-06 in 127982 control chromosomes (gnomAD). The available data on variant occurrences in the general population are insufficient to allow any conclusion about variant significance. To our knowledge, no occurrence of c.438C>G in individuals affected with NEFH-related conditions and no experimental evidence demonstrating its impact on protein function have been reported. No submitters have cited clinical-significance assessments for this variant to ClinVar. Based on the evidence outlined above, the variant was classified as uncertain significance.

CeGaT Center for Human Genetics Tuebingen
Classification: Uncertain significance. Last evaluated: 2026-01-01. Review status: criteria provided, single submitter. Criteria: CeGaT Center For Human Genetics Tuebingen Variant Classification Criteria Version 2. Collection method: clinical testing. Allele origin: germline. Affected: yes. Observed: 1 variant allele.
Comment: NEFH: PM2

NM_021076.4(NEFH):c.438C>G (p.Tyr146Ter)

Gene: NEFH (neurofilament heavy chain; plus strand). Cytogenetic location: 22q12.2.
Variant type: single nucleotide variant.
Coding change: c.438C>G on transcript NM_021076.4 (MANE Select); coding-DNA position 438, C replaced by G.
Protein change: p.Tyr146Ter; replaces tyrosine 146 with a stop codon.
Molecular consequence: nonsense.
Genome position (GRCh38, 1-based): chr22:29,480,700, C>G. VCF-style: chr22-29480700-C-G. GRCh37 (hg19) VCF-style: chr22-29876689-C-G.
Other names: short protein forms Y146*.
Identifiers: ClinVar variation 4821622 (VCV004821622.5).